The following is an entry in ClinVar:

ClinVar aggregate classification (germline): Uncertain significance (1 of 4 stars; one submission).

Submission:

GeneDx
Classification: Uncertain significance. Last evaluated: 2020-02-13. Review status: criteria provided, single submitter. Criteria: GeneDx Variant Classification Process June 2021. Collection method: clinical testing. Allele origin: germline. Affected: yes.
Comment: Not observed in large population cohorts (Lek et al., 2016); In silico analysis supports that this missense variant has a deleterious effect on protein structure/function; Has not been previously published as pathogenic or benign to our knowledge

NM_018136.5(ASPM):c.6416T>C (p.Met2139Thr)

Gene: ASPM (assembly factor for spindle microtubules; minus strand). Cytogenetic location: 1q31.3.
Variant type: single nucleotide variant.
Coding change: c.6416T>C on transcript NM_018136.5 (MANE Select); coding-DNA position 6416, T replaced by C.
Protein change: p.Met2139Thr; replaces methionine 2139 with threonine.
Molecular consequence: missense variant. On other transcripts: intron variant (1).
Genome position (GRCh38, 1-based): chr1:197,102,835, A>G on the plus strand (T>C on the coding strand, the complement: ASPM is on the minus strand). VCF-style: chr1-197102835-A-G. GRCh37 (hg19) VCF-style: chr1-197071965-A-G.
Other names: c.4066-6671T>C (NM_001206846.2); short protein forms M2139T.
Identifiers: ClinVar variation 1302067 (VCV001302067.2), dbSNP rs2125095130, ClinGen allele CA344022951.